The following is an entry in ClinVar:

ClinVar aggregate classification (germline): Uncertain significance (1 of 4 stars; one submission).

Conditions:
Mendelian susceptibility to mycobacterial diseases due to complete IL12RB1 deficiency. Also called: IL12RB1 DEFICIENCY; Immunodeficiency 30. Identifiers: Orphanet 319552, MedGen C4013949, MONDO:0013955, OMIM 614891.

Allele frequency attached by ClinVar (database versions not stated): TOPMed below 0.00001.

Submission:

Labcorp Genetics (formerly Invitae), Labcorp
Classification: Uncertain significance for Mendelian susceptibility to mycobacterial diseases due to complete IL12RB1 deficiency. Last evaluated: 2022-11-25. Review status: criteria provided, single submitter. Criteria: Invitae Variant Classification Sherloc (09022015). Collection method: clinical testing. Allele origin: germline.
Comment: This sequence change replaces glutamine, which is neutral and polar, with lysine, which is basic and polar, at codon 102 of the IL12RB1 protein (p.Gln102Lys). This variant is not present in population databases (gnomAD no frequency). This variant has not been reported in the literature in individuals affected with IL12RB1-related conditions. Advanced modeling of protein sequence and biophysical properties (such as structural, functional, and spatial information, amino acid conservation, physicochemical variation, residue mobility, and thermodynamic stability) performed at Invitae indicates that this missense variant is expected to disrupt IL12RB1 protein function. In summary, the available evidence is currently insufficient to determine the role of this variant in disease. Therefore, it has been classified as a Variant of Uncertain Significance.

NM_005535.3(IL12RB1):c.304C>A (p.Gln102Lys)

Gene: IL12RB1 (interleukin 12 receptor subunit beta 1; minus strand). Cytogenetic location: 19p13.11.
Variant type: single nucleotide variant.
Coding change: c.304C>A on transcript NM_005535.3 (MANE Select); coding-DNA position 304, C replaced by A.
Protein change: p.Gln102Lys; replaces glutamine 102 with lysine.
Molecular consequence: missense variant.
Genome position (GRCh38, 1-based): chr19:18,080,937, G>T on the plus strand (C>A on the coding strand, the complement: IL12RB1 is on the minus strand). VCF-style: chr19-18080937-G-T. GRCh37 (hg19) VCF-style: chr19-18191747-G-T.
Other names: c.304C>A, p.Gln102Lys (NM_001290023.2, NM_153701.3); c.424C>A, p.Gln142Lys (NM_001290024.2); short protein forms Q142K, Q102K.
Identifiers: ClinVar variation 2816619 (VCV002816619.3), dbSNP rs2035855899, ClinGen allele CA404789881.
Genomic context (GRCh38, chr19:18,080,937, plus strand): 5'-GGTTCCTGGCCCAGGATTCCACCCAGAGTGTGACAGTGTACAGCACAGACACCCCAGCCT[G>T]GTCGGAGAACTGCAGCCTGGTGGCTGAGCCGGCGGCGAAGTAGCAGCAGCGCCCGGAGCT-3'
Protein context (NP_005526.1, residues 92-112): GSATRLQFSD[Gln102Lys]AGVSVLYTVT